The following is an entry in ClinVar:

ClinVar aggregate classification (germline): Uncertain significance (1 of 4 stars; one submission).

Submission:

Women's Health and Genetics/Laboratory Corporation of America, LabCorp
Classification: Uncertain significance. Last evaluated: 2025-04-18. Review status: criteria provided, single submitter. Criteria: LabCorp Variant Classification Summary - May 2015. Collection method: clinical testing. Allele origin: germline.
Comment: Variant summary: ACAT1 c.1033G>A (p.Glu345Lys) results in a conservative amino acid change in the encoded protein sequence. Three of five in-silico tools predict a benign effect of the variant on protein function. The variant allele was found at a frequency of 4e-06 in 251292 control chromosomes. The available data on variant occurrences in the general population are insufficient to allow any conclusion about variant significance. To our knowledge, no occurrence of c.1033G>A in individuals affected with Alpha-Methylacetoacetic Aciduria and no experimental evidence demonstrating its impact on protein function have been reported. No submitters have cited clinical-significance assessments for this variant to ClinVar. Based on the evidence outlined above, the variant was classified as uncertain significance.

NM_000019.4(ACAT1):c.1033G>A (p.Glu345Lys)

Gene: ACAT1 (acetyl-CoA acetyltransferase 1; plus strand). Cytogenetic location: 11q22.3.
Variant type: single nucleotide variant.
Coding change: c.1033G>A on transcript NM_000019.4 (MANE Select); coding-DNA position 1033, G replaced by A.
Protein change: p.Glu345Lys; replaces glutamic acid 345 with lysine.
Molecular consequence: missense variant. On other transcripts: non-coding transcript variant (2).
Genome position (GRCh38, 1-based): chr11:108,146,229, G>A. VCF-style: chr11-108146229-G-A. GRCh37 (hg19) VCF-style: chr11-108016956-G-A.
Other names: c.1033G>A, p.Glu345Lys (NM_001386677.1); c.718G>A, p.Glu240Lys (NM_001386678.1); c.736G>A, p.Glu246Lys (NM_001386679.1); c.763G>A, p.Glu255Lys (NM_001386681.1, NM_001386682.1, NM_001386685.1 and 6 more transcripts); short protein forms E240K, E246K, E255K, E345K.
Identifiers: ClinVar variation 3896176 (VCV003896176.2).
Genomic context (GRCh38, chr11:108,146,229, plus strand): 5'-TTTGAACATCATCTGTCTTTTAAAAAATTTAAGGTTCTTAAAGATGTGGGATTGAAAAAA[G>A]AAGATATTGCAATGTGGGAAGTAAATGAAGCCTTTAGTCTGGTTGTACTAGCAAACATTA-3'
Protein context (NP_000010.1, residues 335-355): MVLKDVGLKK[Glu345Lys]DIAMWEVNEA